The following is an entry in ClinVar:

ClinVar aggregate classification (germline): Benign (1 of 4 stars; one submission).

Allele frequency attached by ClinVar (database versions not stated): gnomAD 0.14323 and 0.14424; 1000 Genomes Project 0.14856; 1000 Genomes Project 30x 0.14928; TOPMed 0.15752.

Submission:

GeneDx
Classification: Benign. Last evaluated: 2021-06-19. Review status: criteria provided, single submitter. Criteria: GeneDx Variant Classification Process June 2021. Collection method: clinical testing. Allele origin: germline. Affected: yes.
Comment: This variant is associated with the following publications: (PMID: 21692888)

NC_000005.10:g.149729916C>T

Gene: PPARGC1B (PPARG coactivator 1 beta; plus strand). Cytogenetic location: 5q32.
Variant type: single nucleotide variant.
Genome position: GRCh38 VCF-style: chr5-149729916-C-T. GRCh37 (hg19) VCF-style: chr5-149109479-C-T.
Identifiers: ClinVar variation 1239478 (VCV001239478.4), dbSNP rs62382271, ClinGen allele CA12039212.
Genomic context (GRCh38, chr5:149,729,916, plus strand): 5'-TGCTGGGATTACAGGCGTGAGCCACTGCGCCCGGCCTTCGAACGAGGTCCTATTCCTTCT[C>T]GAGCCTCAGTTTCCCCAGCTGTGCAGAAGAAGCAGGTTGTCTCGCAGGACCCGCCCAGCG-3'